The following is an entry in ClinVar:

ClinVar aggregate classification (germline): Uncertain significance (1 of 4 stars; one submission).

Submission:

Labcorp Genetics (formerly Invitae), Labcorp
Classification: Uncertain significance. Last evaluated: 2024-02-19. Review status: criteria provided, single submitter. Criteria: Invitae Variant Classification Sherloc (09022015). Collection method: clinical testing. Allele origin: germline.
Comment: This sequence change replaces methionine, which is neutral and non-polar, with leucine, which is neutral and non-polar, at codon 1667 of the TRRAP protein (p.Met1667Leu). This variant is not present in population databases (gnomAD no frequency). This variant has not been reported in the literature in individuals affected with TRRAP-related conditions. Advanced modeling of protein sequence and biophysical properties (such as structural, functional, and spatial information, amino acid conservation, physicochemical variation, residue mobility, and thermodynamic stability) performed at Invitae indicates that this missense variant is not expected to disrupt TRRAP protein function with a negative predictive value of 80%. In summary, the available evidence is currently insufficient to determine the role of this variant in disease. Therefore, it has been classified as a Variant of Uncertain Significance.

NM_001375524.1(TRRAP):c.5074A>C (p.Met1692Leu)

Genes: TRRAP (transformation/transcription domain associated protein; plus strand), LOC126860121 (MED14-independent group 3 enhancer GRCh37_chr7:98547245-98548444; plus strand). Cytogenetic location: 7q22.1.
Variant type: single nucleotide variant.
Coding change: c.5074A>C on transcript NM_001375524.1 (MANE Select); coding-DNA position 5074, A replaced by C.
Protein change: p.Met1692Leu; replaces methionine 1692 with leucine.
Molecular consequence: missense variant.
Genome position (GRCh38, 1-based): chr7:98,949,780, A>C. VCF-style: chr7-98949780-A-C. GRCh37 (hg19) VCF-style: chr7-98547403-A-C.
Other names: c.5053A>C, p.Met1685Leu (NM_001244580.2); c.4999A>C, p.Met1667Leu (NM_003496.4); short protein forms M1667L, M1692L, M1685L.
Identifiers: ClinVar variation 2806817 (VCV002806817.3), dbSNP rs78389857, ClinGen allele CA368314377.